The following is an entry in ClinVar:

NM_000466.3(PEX1):c.2675G>A (p.Gly892Glu)

Gene: PEX1 (peroxisomal biogenesis factor 1; minus strand). Cytogenetic location: 7q21.2.
Variant type: single nucleotide variant.
Coding change: c.2675G>A on transcript NM_000466.3 (MANE Select); coding-DNA position 2675, G replaced by A.
Protein change: p.Gly892Glu; replaces glycine 892 with glutamic acid.
Molecular consequence: missense variant.
Genome position (GRCh38, 1-based): chr7:92,499,747, C>T on the plus strand (G>A on the coding strand, the complement: PEX1 is on the minus strand). VCF-style: chr7-92499747-C-T. GRCh37 (hg19) VCF-style: chr7-92129061-C-T.
Other names: c.2504G>A, p.Gly835Glu (NM_001282677.2); c.2051G>A, p.Gly684Glu (NM_001282678.2); short protein forms G684E, G835E, G892E.
Identifiers: ClinVar variation 1174702 (VCV001174702.14), dbSNP rs769356901, ClinGen allele CA161958756.

ClinVar aggregate classification (germline): Uncertain significance. Review status: criteria provided, multiple submitters, no conflicts (2 of 4 stars). 7 submissions from 7 submitters: Uncertain significance (3). 4 of the submissions do not count toward it. Last evaluated 2024-11-11.

Conditions:
Heimler syndrome 1 (HMLR1). Also called: PEROXISOME BIOGENESIS DISORDER 1C. Identifiers: Orphanet 3220, MedGen C4551980, OMIM 234580, MONDO:0024544.
Peroxisome biogenesis disorder 1B (PBD1B). Also called: Infantile Refsum disease; Infantile form of phytanic acid storage disease; ADRENOLEUKODYSTROPHY, AUTOSOMAL NEONATAL; Refsum disease, infantile form; PEROXISOME BIOGENESIS DISORDER (NEONATAL ADRENOLEUKODYSTROPHY/INFANTILE REFSUM DISEASE); INFANTILE PHYTANIC ACID STORAGE DISEASE. Identifiers: Orphanet 44, MedGen C0282527, MONDO:0011101, OMIM 601539.
Peroxisome biogenesis disorder 1A (Zellweger) (PBD1A). Also called: Zellweger leukodystrophy; Peroxisome biogenesis disorder 1a. Identifiers: MedGen C4721541, MONDO:0008953, OMIM 214100.
Zellweger spectrum disorders (ZS). Also called: Zellweger syndrome; Zellweger Spectrum Disorder; Zellweger Spectrum; Zellweger Spectrum Disorder (ZSD). Identifiers: Orphanet 912, MedGen C0043459, MONDO:0019609.

Allele frequency attached by ClinVar (database versions not stated): gnomAD exomes 0.00001 and 0.00002; TOPMed 0.00001; gnomAD 0.00003 and 0.00004.

Submissions (7):

Labcorp Genetics (formerly Invitae), Labcorp
Classification: Uncertain significance for Zellweger spectrum disorders. Last evaluated: 2024-11-11. Review status: criteria provided, single submitter. Criteria: Invitae Variant Classification Sherloc (09022015). Collection method: clinical testing. Allele origin: germline.
Comment: This sequence change replaces glycine, which is neutral and non-polar, with glutamic acid, which is acidic and polar, at codon 892 of the PEX1 protein (p.Gly892Glu). This variant is present in population databases (rs769356901, gnomAD 0.002%). This variant has not been reported in the literature in individuals affected with PEX1-related conditions. ClinVar contains an entry for this variant (Variation ID: 1174702). Invitae Evidence Modeling of protein sequence and biophysical properties (such as structural, functional, and spatial information, amino acid conservation, physicochemical variation, residue mobility, and thermodynamic stability) has been performed for this missense variant. However, the output from this modeling did not meet the statistical confidence thresholds required to predict the impact of this variant on PEX1 protein function. Algorithms developed to predict the effect of sequence changes on RNA splicing suggest that this variant may disrupt the consensus splice site. In summary, the available evidence is currently insufficient to determine the role of this variant in disease. Therefore, it has been classified as a Variant of Uncertain Significance.

Blueprint Genetics
Classification: Uncertain significance. Last evaluated: 2022-01-31. Review status: criteria provided, single submitter. Criteria: ACMG Guidelines, 2015. Collection method: clinical testing. Allele origin: germline.

Fulgent Genetics
Classification: Uncertain significance for Peroxisome biogenesis disorder 1A (Zellweger); Heimler syndrome 1; Peroxisome biogenesis disorder 1B. Last evaluated: 2021-11-22. Review status: criteria provided, single submitter. Criteria: ACMG Guidelines, 2015. Collection method: clinical testing. Allele origin: unknown.

Clinical Genetics DNA and cytogenetics Diagnostics Lab, Erasmus MC, Erasmus Medical Center
Classification: Uncertain significance. Review status: no assertion criteria provided. Collection method: clinical testing. Allele origin: germline. Affected: yes. Study: VKGL Data-share Consensus. Not counted in ClinVar's aggregate classification.

Clinical Genetics, Academic Medical Center
Classification: Uncertain significance. Review status: no assertion criteria provided. Collection method: clinical testing. Allele origin: germline. Affected: yes. Study: VKGL Data-share Consensus. Not counted in ClinVar's aggregate classification.

Diagnostic Laboratory, Department of Genetics, University Medical Center Groningen
Classification: Uncertain significance. Review status: no assertion criteria provided. Collection method: clinical testing. Allele origin: germline. Affected: yes. Study: VKGL Data-share Consensus. Not counted in ClinVar's aggregate classification.

Laboratory of Diagnostic Genome Analysis, Leiden University Medical Center (LUMC)
Classification: Uncertain significance. Review status: no assertion criteria provided. Collection method: clinical testing. Allele origin: germline. Affected: yes. Study: VKGL Data-share Consensus. Not counted in ClinVar's aggregate classification.